The following is an entry in ClinVar:

NM_001928.4(CFD):c.419G>A (p.Arg140His)

Gene: CFD (complement factor D; plus strand). Cytogenetic location: 19p13.3.
Variant type: single nucleotide variant.
Coding change: c.419G>A on transcript NM_001928.4 (MANE Select); coding-DNA position 419, G replaced by A.
Protein change: p.Arg140His; replaces arginine 140 with histidine.
Molecular consequence: missense variant.
Genome position (GRCh38, 1-based): chr19:861,760, G>A. VCF-style: chr19-861760-G-A. GRCh37 (hg19) VCF-style: chr19-861760-G-A.
Other names: c.440G>A, p.Arg147His (NM_001317335.2); short protein forms R140H, R147H.
Identifiers: ClinVar variation 4808330 (VCV004808330.1).

ClinVar aggregate classification (germline): Uncertain significance (1 of 4 stars; one submission).

Submission:

Labcorp Genetics (formerly Invitae), Labcorp
Classification: Uncertain significance. Last evaluated: 2025-09-01. Review status: criteria provided, single submitter. Criteria: Invitae Variant Classification Sherloc (09022015). Collection method: clinical testing. Allele origin: germline.
Comment: This sequence change replaces arginine, which is basic and polar, with histidine, which is basic and polar, at codon 140 of the CFD protein (p.Arg140His). The frequency data for this variant in the population databases is considered unreliable, as metrics indicate poor data quality at this position in the gnomAD database. This variant has not been reported in the literature in individuals affected with CFD-related conditions. An algorithm developed to predict the effect of missense changes on protein structure and function outputs the following: PolyPhen-2: "Benign". The histidine amino acid residue is found in multiple mammalian species, which suggests that this missense change does not adversely affect protein function. In summary, the available evidence is currently insufficient to determine the role of this variant in disease. Therefore, it has been classified as a Variant of Uncertain Significance.